The following is an entry in ClinVar:

ClinVar aggregate classification (germline): Uncertain significance. Review status: criteria provided, multiple submitters, no conflicts (2 of 4 stars). 2 submissions from 2 submitters: Uncertain significance (2). Last evaluated 2025-09-19.

Conditions:
Inborn genetic diseases. Identifiers: MedGen C0950123, MeSH D030342.

Allele frequency attached by ClinVar (database versions not stated): ExAC 0.00001; gnomAD exomes 0.00002 and 0.00006; TOPMed 0.00002; gnomAD 0.00003.
gnomAD v4.1: 96 of 1,612,088 alleles (0.006%); highest among the groups gnomAD compares: Non-Finnish European, 0.0076%; no homozygotes.

Submissions (2):

Labcorp Genetics (formerly Invitae), Labcorp
Classification: Uncertain significance. Last evaluated: 2025-09-19. Review status: criteria provided, single submitter. Criteria: Invitae Variant Classification Sherloc (09022015). Collection method: clinical testing. Allele origin: germline.
Comment: This sequence change replaces isoleucine, which is neutral and non-polar, with valine, which is neutral and non-polar, at codon 489 of the TNNI3K protein (p.Ile489Val). This variant is present in population databases (rs779729233, gnomAD 0.007%). This variant has not been reported in the literature in individuals affected with TNNI3K-related conditions. ClinVar contains an entry for this variant (Variation ID: 1408886). Invitae Evidence Modeling of protein sequence and biophysical properties (such as structural, functional, and spatial information, amino acid conservation, physicochemical variation, residue mobility, and thermodynamic stability) indicates that this missense variant is not expected to disrupt TNNI3K protein function with a negative predictive value of 80%. In summary, the available evidence is currently insufficient to determine the role of this variant in disease. Therefore, it has been classified as a Variant of Uncertain Significance.

Ambry Genetics
Classification: Uncertain significance for Inborn genetic diseases. Last evaluated: 2025-05-13. Review status: criteria provided, single submitter. Criteria: Ambry Variant Classification Scheme 2023. Collection method: clinical testing. Allele origin: germline.

NM_015978.3(TNNI3K):c.1465A>G (p.Ile489Val)

Genes: FPGT-TNNI3K (FPGT-TNNI3K readthrough; plus strand), TNNI3K (TNNI3 interacting kinase; plus strand). Cytogenetic location: 1p31.1.
Variant type: single nucleotide variant.
Coding change: c.1465A>G on transcript NM_015978.3 (MANE Select); coding-DNA position 1465, A replaced by G.
Protein change: p.Ile489Val; replaces isoleucine 489 with valine.
Molecular consequence: missense variant.
Genome position (GRCh38, 1-based): chr1:74,369,257, A>G. VCF-style: chr1-74369257-A-G. GRCh37 (hg19) VCF-style: chr1-74834941-A-G.
Other names: c.1465A>G (NM_015978.2); c.1768A>G, p.Ile590Val (NM_001112808.3, NM_001199327.2); short protein forms I489V, I590V.
Identifiers: ClinVar variation 1408886 (VCV001408886.7), dbSNP rs779729233, ClinGen allele CA909291.